The following is an entry in ClinVar:

ClinVar aggregate classification (germline): Pathogenic. Review status: criteria provided, multiple submitters, no conflicts (2 of 4 stars). 3 submissions from 3 submitters: Pathogenic (3). Last evaluated 2023-05-26.
ClinVar aggregate classification (oncogenicity): Likely oncogenic (1 of 4 stars; one submission).

Conditions:
Juvenile polyposis syndrome (JPS). Identifiers: Orphanet 2929, MedGen C0345893, MONDO:0017380, OMIM 174900.
Hereditary cancer-predisposing syndrome. Also called: Hereditary neoplastic syndrome; Tumor predisposition; Neoplastic Syndromes, Hereditary; Hereditary Cancer Syndrome. Identifiers: Orphanet 140162, MedGen C0027672, MeSH D009386, MONDO:0015356.
Neoplasm. Also called: tumor; Neoplasms; Neoplasm (disease). Identifiers: MedGen C0027651, MeSH D009369, MONDO:0005070, HP:0002664.

Submissions (4):

Center for Genomic Medicine, Rigshospitalet, Copenhagen University Hospital
Classification: Likely oncogenic for Neoplasm. Last evaluated: 2025-12-29. Review status: criteria provided, single submitter. Criteria: ClinGen/CGC/VICC Guidelines for Oncogenicity, 2022. Collection method: clinical testing. Allele origin: somatic. Affected: yes.

Myriad Genetics, Inc.
Classification: Pathogenic for Juvenile polyposis syndrome. Last evaluated: 2023-05-26. Review status: criteria provided, single submitter. Criteria: Myriad Autosomal Dominant, Autosomal Recessive and X-Linked Classification Criteria (2023). Collection method: clinical testing. Allele origin: unknown.
Comment: This variant is considered pathogenic. This variant creates a termination codon and is predicted to result in premature protein truncation.

Labcorp Genetics (formerly Invitae), Labcorp
Classification: Pathogenic for Juvenile polyposis syndrome. Last evaluated: 2022-11-15. Review status: criteria provided, single submitter. Criteria: Invitae Variant Classification Sherloc (09022015). Collection method: clinical testing. Allele origin: germline.
Comment: For these reasons, this variant has been classified as Pathogenic. ClinVar contains an entry for this variant (Variation ID: 429107). This variant has not been reported in the literature in individuals affected with BMPR1A-related conditions. This variant is not present in population databases (gnomAD no frequency). This sequence change creates a premature translational stop signal (p.Ser184*) in the BMPR1A gene. It is expected to result in an absent or disrupted protein product. Loss-of-function variants in BMPR1A are known to be pathogenic (PMID: 11536076, 12417513).

Ambry Genetics
Classification: Pathogenic for Hereditary cancer-predisposing syndrome. Last evaluated: 2016-12-13. Review status: criteria provided, single submitter. Criteria: Ambry Variant Classification Scheme 2023. Collection method: clinical testing. Allele origin: germline.
Comment: The p.S184* pathogenic mutation (also known as c.551C>G), located in coding exon 6 of the BMPR1A gene, results from a C to G substitution at nucleotide position 551. This changes the amino acid from a serine to a stop codon within coding exon 6. This alteration is expected to result in loss of function by premature protein truncation or nonsense-mediated mRNA decay. As such, this alteration is interpreted as a disease-causing mutation.

Literature cited by the submitters: PubMed 11536076 (cited by Labcorp Genetics (formerly Invitae), Labcorp); PubMed 12417513 (cited by Labcorp Genetics (formerly Invitae), Labcorp).

NM_004329.3(BMPR1A):c.551C>G (p.Ser184Ter)

Gene: BMPR1A (bone morphogenetic protein receptor type 1A; plus strand). Cytogenetic location: 10q23.2.
Variant type: single nucleotide variant.
Coding change: c.551C>G on transcript NM_004329.3 (MANE Select); coding-DNA position 551, C replaced by G.
Protein change: p.Ser184Ter; replaces serine 184 with a stop codon.
Molecular consequence: nonsense.
Genome position (GRCh38, 1-based): chr10:86,912,260, C>G. VCF-style: chr10-86912260-C-G. GRCh37 (hg19) VCF-style: chr10-88672017-C-G.
Other names: short protein forms S184*.
Identifiers: ClinVar variation 429107 (VCV000429107.16), dbSNP rs1131691185, ClinGen allele CA377454239.